The following is an entry in ClinVar:

ClinVar aggregate classification (germline): Uncertain significance (1 of 4 stars; one submission).

Allele frequency attached by ClinVar (database versions not stated): gnomAD 0.00001.
gnomAD v4.1: 1 of 1,614,054 alleles (0.000062%); highest among the groups gnomAD compares: African/African-American, 0.0013%; no homozygotes.

Submission:

Labcorp Genetics (formerly Invitae), Labcorp
Classification: Uncertain significance. Last evaluated: 2022-12-29. Review status: criteria provided, single submitter. Criteria: Invitae Variant Classification Sherloc (09022015). Collection method: clinical testing. Allele origin: germline.
Comment: In summary, the available evidence is currently insufficient to determine the role of this variant in disease. Therefore, it has been classified as a Variant of Uncertain Significance. Algorithms developed to predict the effect of missense changes on protein structure and function output the following: SIFT: "Tolerated"; PolyPhen-2: "Benign"; Align-GVGD: "Class C0". The alanine amino acid residue is found in multiple mammalian species, which suggests that this missense change does not adversely affect protein function. This variant has not been reported in the literature in individuals affected with ASRGL1-related conditions. This variant is present in population databases (no rsID available, gnomAD 0.01%). This sequence change replaces valine, which is neutral and non-polar, with alanine, which is neutral and non-polar, at codon 275 of the ASRGL1 protein (p.Val275Ala).

NM_001083926.2(ASRGL1):c.824T>C (p.Val275Ala)

Gene: ASRGL1 (asparaginase and isoaspartyl peptidase 1; plus strand). Cytogenetic location: 11q12.3.
Variant type: single nucleotide variant.
Coding change: c.824T>C on transcript NM_001083926.2 (MANE Select); coding-DNA position 824, T replaced by C.
Protein change: p.Val275Ala; replaces valine 275 with alanine.
Molecular consequence: missense variant.
Genome position (GRCh38, 1-based): chr11:62,392,181, T>C. VCF-style: chr11-62392181-T-C. GRCh37 (hg19) VCF-style: chr11-62159653-T-C.
Other names: c.824T>C, p.Val275Ala (NM_025080.4); short protein forms V275A.
Identifiers: ClinVar variation 2006201 (VCV002006201.2), dbSNP rs1172795933, ClinGen allele CA380871756.